The following is an entry in ClinVar:

NM_000368.5(TSC1):c.616C>G (p.His206Asp)

Gene: TSC1 (TSC complex subunit 1; minus strand). Cytogenetic location: 9q34.13.
Variant type: single nucleotide variant.
Coding change: c.616C>G on transcript NM_000368.5 (MANE Select); coding-DNA position 616, C replaced by G.
Protein change: p.His206Asp; replaces histidine 206 with aspartic acid.
Molecular consequence: missense variant. On other transcripts: 5 prime UTR variant (5), non-coding transcript variant (5).
Genome position (GRCh38, 1-based): chr9:132,921,866, G>C on the plus strand (C>G on the coding strand, the complement: TSC1 is on the minus strand). VCF-style: chr9-132921866-G-C. GRCh37 (hg19) VCF-style: chr9-135797253-G-C.
Other names: c.253C>G, p.His85Asp (NM_001406615.1, NM_001406616.1, NM_001406617.1 and 10 more transcripts); c.-262C>G (NM_001406626.1, NM_001406627.1, NM_001406628.1); c.-404C>G (NM_001406629.1); c.-478C>G (NM_001406630.1); c.616C>G, p.His206Asp (NM_001406605.1, NM_001406606.1, NM_001406607.1 and 16 more transcripts); c.463C>G, p.His155Asp (NM_001406610.1, NM_001406611.1, NM_001406612.1 and 2 more transcripts); short protein forms H155D, H85D, H206D.
Identifiers: ClinVar variation 4781771 (VCV004781771.1).

ClinVar aggregate classification (germline): Uncertain significance (1 of 4 stars; one submission).

Conditions:
Tuberous sclerosis 1 (TSC1). Identifiers: Orphanet 805, MedGen C1854465, MONDO:0008612, OMIM 191100.

Submission:

Labcorp Genetics (formerly Invitae), Labcorp
Classification: Uncertain significance for Tuberous sclerosis 1. Last evaluated: 2025-09-01. Review status: criteria provided, single submitter. Criteria: Invitae Variant Classification Sherloc (09022015). Collection method: clinical testing. Allele origin: germline.
Comment: This sequence change replaces histidine, which is basic and polar, with aspartic acid, which is acidic and polar, at codon 206 of the TSC1 protein (p.His206Asp). This variant is not present in population databases (gnomAD no frequency). This variant has not been reported in the literature in individuals affected with TSC1-related conditions. Invitae Evidence Modeling of protein sequence and biophysical properties (such as structural, functional, and spatial information, amino acid conservation, physicochemical variation, residue mobility, and thermodynamic stability) has been performed for this missense variant. However, the output from this modeling did not meet the statistical confidence thresholds required to predict the impact of this variant on TSC1 protein function. Studies have shown that this missense change alters TSC1 gene expression (PMID: 18397877). In summary, the available evidence is currently insufficient to determine the role of this variant in disease. Therefore, it has been classified as a Variant of Uncertain Significance.

Literature cited by the submitters: PubMed 18397877.